The following is an entry in ClinVar:

NM_017617.5(NOTCH1):c.4964G>A (p.Gly1655Asp)

Gene: NOTCH1 (notch receptor 1; minus strand). Cytogenetic location: 9q34.3.
Variant type: single nucleotide variant.
Coding change: c.4964G>A on transcript NM_017617.5 (MANE Select); coding-DNA position 4964, G replaced by A.
Protein change: p.Gly1655Asp; replaces glycine 1655 with aspartic acid.
Molecular consequence: missense variant.
Genome position (GRCh38, 1-based): chr9:136,504,727, C>T on the plus strand (G>A on the coding strand, the complement: NOTCH1 is on the minus strand). VCF-style: chr9-136504727-C-T. GRCh37 (hg19) VCF-style: chr9-139399179-C-T.
Other names: short protein forms G1655D.
Identifiers: ClinVar variation 2624804 (VCV002624804.5), dbSNP rs550212683, ClinGen allele CA5340486.

ClinVar aggregate classification (germline): Conflicting classifications of pathogenicity. Review status: criteria provided, conflicting classifications (1 of 4 stars). 2 submissions from 2 submitters: Uncertain significance (1); Benign (1). Last evaluated 2023-08-02.

Conditions:
Adams-Oliver syndrome 5 (AOS5). Identifiers: Orphanet 974, MedGen C4014970, MONDO:0014459, OMIM 616028.
Familial thoracic aortic aneurysm and aortic dissection (TAAD). Also called: Thoracic aortic aneurysms and dissections. Identifiers: Orphanet 91387, MedGen C4707243, MONDO:0019625.

Allele frequency attached by ClinVar (database versions not stated): TOPMed 0.00002; gnomAD 0.00005; 1000 Genomes Project 30x 0.00016; 1000 Genomes Project 0.00020.
gnomAD v4.1: 12 of 1,543,388 alleles (0.00078%); highest among the groups gnomAD compares: Middle Eastern, 0.019%; no homozygotes.

Submissions (2):

Ambry Genetics
Classification: Uncertain significance for Familial thoracic aortic aneurysm and aortic dissection. Last evaluated: 2023-08-02. Review status: criteria provided, single submitter. Criteria: Ambry Variant Classification Scheme 2023. Collection method: clinical testing. Allele origin: germline.
Comment: The p.G1655D variant (also known as c.4964G>A), located in coding exon 26 of the NOTCH1 gene, results from a G to A substitution at nucleotide position 4964. The glycine at codon 1655 is replaced by aspartic acid, an amino acid with similar properties. This amino acid position is not well conserved in available vertebrate species. In addition, this alteration is predicted to be tolerated by in silico analysis. Since supporting evidence is limited at this time, the clinical significance of this alteration remains unclear.

Labcorp Genetics (formerly Invitae), Labcorp
Classification: Benign for Adams-Oliver syndrome 5. Last evaluated: 2023-04-01. Review status: criteria provided, single submitter. Criteria: Invitae Variant Classification Sherloc (09022015). Collection method: clinical testing. Allele origin: germline.